The following is an entry in ClinVar:

ClinVar aggregate classification (germline): Uncertain significance (1 of 4 stars; one submission).

Conditions:
Cardiovascular phenotype. Identifiers: MedGen CN230736.

Allele frequency attached by ClinVar (database versions not stated): gnomAD exomes below 0.00001; gnomAD 0.00001; TOPMed 0.00001.
gnomAD v4.1: 8 of 1,613,788 alleles (0.0005%); highest among the groups gnomAD compares: African/African-American, 0.0013%; no homozygotes.

Submission:

Ambry Genetics
Classification: Uncertain significance for Cardiovascular phenotype. Last evaluated: 2025-03-14. Review status: criteria provided, single submitter. Criteria: Ambry Variant Classification Scheme 2023. Collection method: clinical testing. Allele origin: germline.
Comment: The p.R3435Q variant (also known as c.10304G>A), located in coding exon 41 of the AKAP9 gene, results from a G to A substitution at nucleotide position 10304. The arginine at codon 3435 is replaced by glutamine, an amino acid with highly similar properties. This amino acid position is conserved. In addition, this alteration is predicted to be tolerated by in silico analysis. Since supporting evidence is limited at this time, the clinical significance of this alteration remains unclear.

NM_005751.5(AKAP9):c.10304G>A (p.Arg3435Gln)

Gene: AKAP9 (A-kinase anchoring protein 9; plus strand). Cytogenetic location: 7q21.2.
Variant type: single nucleotide variant.
Coding change: c.10304G>A on transcript NM_005751.5 (MANE Select); coding-DNA position 10304, G replaced by A.
Protein change: p.Arg3435Gln; replaces arginine 3435 with glutamine.
Molecular consequence: missense variant.
Genome position (GRCh38, 1-based): chr7:92,097,263, G>A. VCF-style: chr7-92097263-G-A. GRCh37 (hg19) VCF-style: chr7-91726577-G-A.
Other names: c.4949G>A, p.Arg1650Gln (NM_001379277.1); c.10280G>A, p.Arg3427Gln (NM_147185.3); short protein forms R3435Q, R3427Q, R1650Q.
Identifiers: ClinVar variation 1770942 (VCV001770942.3), dbSNP rs944150920, ClinGen allele CA161897114.
Genomic context (GRCh38, chr7:92,097,263, plus strand): 5'-TTCAGCGCCAGCTGGAAGAGAAAAGACAACAAGTTTATAAGTTAGACCTTGAAGGACAGC[G>A]ACTACAAGGAATCATGCAGGAATTCCAGAAGCAAGAACTAGAACGAGAAGAAAAACGAGA-3'
Protein context (NP_005742.4, residues 3425-3445): QVYKLDLEGQ[Arg3435Gln]LQGIMQEFQK